The following is an entry in ClinVar:

NM_001286.5(CLCN6):c.1603C>T (p.Arg535Cys)

Gene: CLCN6 (Cl-/H+ antiporter 6; plus strand). Cytogenetic location: 1p36.22.
Variant type: single nucleotide variant.
Coding change: c.1603C>T on transcript NM_001286.5 (MANE Select); coding-DNA position 1603, C replaced by T.
Protein change: p.Arg535Cys; replaces arginine 535 with cysteine.
Molecular consequence: missense variant. On other transcripts: non-coding transcript variant (1).
Genome position (GRCh38, 1-based): chr1:11,834,312, C>T. VCF-style: chr1-11834312-C-T. GRCh37 (hg19) VCF-style: chr1-11894369-C-T.
Other names: c.1537C>T, p.Arg513Cys (NM_001256959.2); short protein forms R535C, R513C.
Identifiers: ClinVar variation 2059582 (VCV002059582.5), dbSNP rs766387120, ClinGen allele CA18002879.

ClinVar aggregate classification (germline): Uncertain significance. Review status: criteria provided, multiple submitters, no conflicts (2 of 4 stars). 2 submissions from 2 submitters: Uncertain significance (2). Last evaluated 2025-11-13.

Allele frequency attached by ClinVar (database versions not stated): TOPMed below 0.00001; gnomAD 0.00001; gnomAD exomes 0.00001.
gnomAD v4.1: 17 of 1,613,884 alleles (0.0011%); highest among the groups gnomAD compares: Admixed American, 0.0017%; no homozygotes.

Submissions (2):

Labcorp Genetics (formerly Invitae), Labcorp
Classification: Uncertain significance. Last evaluated: 2025-11-13. Review status: criteria provided, single submitter. Criteria: Invitae Variant Classification Sherloc (09022015). Collection method: clinical testing. Allele origin: germline.
Comment: This sequence change replaces arginine, which is basic and polar, with cysteine, which is neutral and slightly polar, at codon 535 of the CLCN6 protein (p.Arg535Cys). This variant is present in population databases (rs766387120, gnomAD 0.003%). This variant has not been reported in the literature in individuals affected with CLCN6-related conditions. ClinVar contains an entry for this variant (Variation ID: 2059582). An algorithm developed to predict the effect of missense changes on protein structure and function (PolyPhen-2) suggests that this variant is likely to be disruptive. In summary, the available evidence is currently insufficient to determine the role of this variant in disease. Therefore, it has been classified as a Variant of Uncertain Significance.

Ambry Genetics
Classification: Uncertain significance. Last evaluated: 2022-12-19. Review status: criteria provided, single submitter. Criteria: Ambry Variant Classification Scheme 2023. Collection method: clinical testing. Allele origin: germline.